The following is an entry in ClinVar:

NM_032043.3(BRIP1):c.758A>G (p.His253Arg)

Gene: BRIP1 (BRCA1 interacting DNA helicase 1; minus strand). Cytogenetic location: 17q23.2.
Variant type: single nucleotide variant.
Coding change: c.758A>G on transcript NM_032043.3 (MANE Select); coding-DNA position 758, A replaced by G.
Protein change: p.His253Arg; replaces histidine 253 with arginine.
Molecular consequence: missense variant.
Genome position (GRCh38, 1-based): chr17:61,808,627, T>C on the plus strand (A>G on the coding strand, the complement: BRIP1 is on the minus strand). VCF-style: chr17-61808627-T-C. GRCh37 (hg19) VCF-style: chr17-59885988-T-C.
Other names: c.758A>G (NM_032043.2); short protein forms H253R.
Identifiers: ClinVar variation 1005539 (VCV001005539.22), dbSNP rs2078112284, ClinGen allele CA400484974.

ClinVar aggregate classification (germline): Uncertain significance. Review status: criteria provided, multiple submitters, no conflicts (2 of 4 stars). 6 submissions from 6 submitters: Uncertain significance (6). Last evaluated 2025-03-04.

Conditions:
Hereditary cancer-predisposing syndrome. Also called: Hereditary neoplastic syndrome; Neoplastic Syndromes, Hereditary; Tumor predisposition; Hereditary Cancer Syndrome. Identifiers: Orphanet 140162, MedGen C0027672, MeSH D009386, MONDO:0015356.
Familial cancer of breast. Also called: hereditary breast carcinoma; BREAST CANCER, FAMILIAL; Hereditary breast cancer. Identifiers: Orphanet 227535, MedGen C0346153, MONDO:0016419, OMIM 114480. Disease mechanism: loss of function.
Fanconi anemia complementation group J. Also called: BRIP1-Related Fanconi Anemia. Identifiers: Orphanet 84, MedGen C1836860, MONDO:0012187, OMIM 609054.
BRIP1-related disorder. Also called: BRIP1-related condition; BRIP1-related disorders. Identifiers: MedGen CN239206.

gnomAD v4.1: 1 of 1,614,032 alleles (0.000062%); no homozygotes.

Submissions (6):

Center for Genomic Medicine, Rigshospitalet, Copenhagen University Hospital
Classification: Uncertain significance. Last evaluated: 2025-03-04. Review status: criteria provided, single submitter. Criteria: ACMG Guidelines, 2015. Collection method: clinical testing. Allele origin: germline.

Labcorp Genetics (formerly Invitae), Labcorp
Classification: Uncertain significance for Familial cancer of breast; Fanconi anemia complementation group J. Last evaluated: 2025-01-22. Review status: criteria provided, single submitter. Criteria: Invitae Variant Classification Sherloc (09022015). Collection method: clinical testing. Allele origin: germline.
Comment: This sequence change replaces histidine, which is basic and polar, with arginine, which is basic and polar, at codon 253 of the BRIP1 protein (p.His253Arg). This variant is not present in population databases (gnomAD no frequency). This missense change has been observed in individual(s) with either breast or ovarian cancer (PMID: 29470806). ClinVar contains an entry for this variant (Variation ID: 1005539). Invitae Evidence Modeling of protein sequence and biophysical properties (such as structural, functional, and spatial information, amino acid conservation, physicochemical variation, residue mobility, and thermodynamic stability) has been performed for this missense variant. However, the output from this modeling did not meet the statistical confidence thresholds required to predict the impact of this variant on BRIP1 protein function. In summary, the available evidence is currently insufficient to determine the role of this variant in disease. Therefore, it has been classified as a Variant of Uncertain Significance.

GeneDx
Classification: Uncertain significance. Last evaluated: 2024-08-07. Review status: criteria provided, single submitter. Criteria: GeneDx Variant Classification Process June 2021. Collection method: clinical testing. Allele origin: germline. Affected: yes.
Comment: Not observed at significant frequency in large population cohorts (gnomAD); In silico analysis supports that this missense variant has a deleterious effect on protein structure/function; Observed in a patient with breast and/or ovarian cancer (PMID: 29470806); This variant is associated with the following publications: (PMID: 11301010, 29470806)

Ambry Genetics
Classification: Uncertain significance for Hereditary cancer-predisposing syndrome. Last evaluated: 2024-06-24. Review status: criteria provided, single submitter. Criteria: Ambry Variant Classification Scheme 2023. Collection method: clinical testing. Allele origin: germline.
Comment: The p.H253R variant (also known as c.758A>G), located in coding exon 6 of the BRIP1 gene, results from an A to G substitution at nucleotide position 758. The histidine at codon 253 is replaced by arginine, an amino acid with highly similar properties. This variant was observed in a study of 1010 unrelated Indian patients with breast and/or ovarian cancer (Singh J et al. Breast Cancer Res Treat, 2018 Jul;170:189-196). This amino acid position is highly conserved in available vertebrate species. In addition, this alteration is predicted to be deleterious by in silico analysis. Since supporting evidence is limited at this time, the clinical significance of this alteration remains unclear.

PreventionGenetics, part of Exact Sciences
Classification: Uncertain significance for BRIP1-related condition. Last evaluated: 2023-07-20. Review status: criteria provided, single submitter. Criteria: ACMG Guidelines, 2015. Collection method: clinical testing. Allele origin: germline.
Comment: The BRIP1 c.758A>G variant is predicted to result in the amino acid substitution p.His253Arg. This variant has been reported in an individual with breast and/or ovarian cancer (Table S4. Singh et al. 2018. PubMed ID: 29470806). This variant has not been reported in a large population database, indicating this variant is rare. It is interpreted as uncertain significance in ClinVar. At this time, the clinical significance of this variant is uncertain due to the absence of conclusive functional and genetic evidence.

Color Diagnostics, LLC DBA Color Health
Classification: Uncertain significance for Hereditary cancer-predisposing syndrome. Last evaluated: 2021-08-24. Review status: criteria provided, single submitter. Criteria: ACMG Guidelines, 2015. Collection method: clinical testing. Allele origin: germline.
Comment: This missense variant replaces histidine with arginine at codon 253 of the BRIP1 protein. Computational prediction is inconclusive regarding the impact of this variant on protein structure and function (internally defined REVEL score threshold 0.5 < inconclusive < 0.7, PMID: 27666373). To our knowledge, functional studies have not been reported for this variant. This variant has not been reported in individuals affected with hereditary cancer in the literature. This variant has not been identified in the general population by the Genome Aggregation Database (gnomAD). The available evidence is insufficient to determine the role of this variant in disease conclusively. Therefore, this variant is classified as a Variant of Uncertain Significance.

Literature cited by the submitters: PubMed 29470806 (cited by 3 submitters).